The following is an entry in ClinVar:

NM_001130987.2(DYSF):c.460+2_460+3del

Gene: DYSF (dysferlin; plus strand). Cytogenetic location: 2p13.2.
Variant type: Deletion.
Coding change: c.460+2_460+3del on transcript NM_001130987.2 (MANE Select); the canonical splice donor site of the intron after coding-DNA position 460 through 3 bases into the intron after coding-DNA position 460, 2 bases deleted (TG; older notation c.460+2_460+3delTG).
Molecular consequence: splice donor variant.
Genome position (GRCh38, 1-based): chr2:71,511,923-71,511,924, TG deleted; deleting any 2 consecutive bases within chr2:71,511,922-71,511,924 gives the same sequence; the c. name uses the placement nearest the transcript's 3' end. VCF-style (leftmost placement, unchanged base first): chr2-71511921-GGT-G. GRCh37 (hg19) VCF-style: chr2-71739051-GGT-G.
Other names: c.457+2_457+3del (NM_001130979.2, NM_001130981.2, NM_001130980.2 and 4 more transcripts); c.460+2_460+3del (NM_001130982.2, NM_001130985.2, NM_001130983.2 and 3 more transcripts).
Identifiers: ClinVar variation 2705304 (VCV002705304.3), dbSNP rs2545377836, ClinGen allele CA2697548226.
Genomic context (GRCh38, chr2:71,511,921, plus strand): 5'-TTCCCGCCCCCTACTCCTCTGGAGCCCTCCCCGACTCTGCCTGACCTGGATGTAGTGGCA[GGT>G]GGGTAGCCCACGTTGGCCTGGCTGGGCCCCAGCAAGAAGGCCGGCAGTGGCACTTGAGCC-3'

ClinVar aggregate classification (germline): Likely pathogenic (1 of 4 stars; one submission).

Conditions:
Neuromuscular disease caused by qualitative or quantitative defects of dysferlin. Also called: Qualitative or quantitative defects of dysferlin; Dysferlinopathy. Identifiers: Orphanet 207073, MedGen C2931687, MONDO:0016145.

Submission:

Labcorp Genetics (formerly Invitae), Labcorp
Classification: Likely pathogenic for Neuromuscular disease caused by qualitative or quantitative defects of dysferlin. Last evaluated: 2024-01-04. Review status: criteria provided, single submitter. Criteria: Invitae Variant Classification Sherloc (09022015). Collection method: clinical testing. Allele origin: germline.
Comment: This sequence change affects a splice site in intron 5 of the DYSF gene. It is expected to disrupt RNA splicing. Variants that disrupt the donor or acceptor splice site typically lead to a loss of protein function (PMID: 16199547), and loss-of-function variants in DYSF are known to be pathogenic (PMID: 17698709, 20301480). This variant is not present in population databases (gnomAD no frequency). This variant has not been reported in the literature in individuals affected with DYSF-related conditions. Algorithms developed to predict the effect of sequence changes on RNA splicing suggest that this variant may disrupt the consensus splice site. In summary, the currently available evidence indicates that the variant is pathogenic, but additional data are needed to prove that conclusively. Therefore, this variant has been classified as Likely Pathogenic.

Literature cited by the submitters: PubMed 16199547; PubMed 17698709; PubMed 20301480.